The following is an entry in ClinVar:

NM_001267550.2(TTN):c.22575T>A (p.Asp7525Glu)

Gene: TTN (titin; minus strand). Cytogenetic location: 2q31.2.
Variant type: single nucleotide variant.
Coding change: c.22575T>A on transcript NM_001267550.2 (MANE Select); coding-DNA position 22575, T replaced by A.
Protein change: p.Asp7525Glu; replaces aspartic acid 7525 with glutamic acid.
Molecular consequence: missense variant. On other transcripts: intron variant (3).
Genome position (GRCh38, 1-based): chr2:178,722,088, A>T on the plus strand (T>A on the coding strand, the complement: TTN is on the minus strand). VCF-style: chr2-178722088-A-T. GRCh37 (hg19) VCF-style: chr2-179586815-A-T.
Other names: c.21624T>A, p.Asp7208Glu (NM_001256850.1); c.18843T>A, p.Asp6281Glu (NM_133378.4); c.13282+15994T>A (NM_003319.4); c.13858+15994T>A (NM_133437.4); c.13657+15994T>A (NM_133432.3); short protein forms D7525E, D6281E, D7208E.
Identifiers: ClinVar variation 46701 (VCV000046701.44), dbSNP rs200061856, ClinGen allele CA139000.

ClinVar aggregate classification (germline): Conflicting classifications of pathogenicity. Review status: criteria provided, conflicting classifications (1 of 4 stars). 9 submissions from 9 submitters: Uncertain significance (7); Likely benign (2). Last evaluated 2025-01-23.

Conditions:
Cardiomyopathy (CMYO). Also called: Cardiomyopathies. Identifiers: Orphanet 167848, MedGen C0878544, MONDO:0004994, HP:0001638. Inheritance: Various modes of inheritance.

Allele frequency attached by ClinVar (database versions not stated): gnomAD exomes 0.00003 and 0.00007; gnomAD 0.00004; TOPMed 0.00007; ExAC 0.00009; ESP Exome Variant Server 0.00016.
gnomAD v4.1: 53 of 1,606,454 alleles (0.0033%); highest among the groups gnomAD compares: Non-Finnish European, 0.0039%; no homozygotes.

Submissions (9):

Revvity Omics, Revvity
Classification: Uncertain significance. Last evaluated: 2025-01-23. Review status: criteria provided, single submitter. Criteria: ACMG Guidelines, 2015. Collection method: clinical testing. Allele origin: germline.

Blueprint Genetics
Classification: Likely benign. Last evaluated: 2024-11-22. Review status: criteria provided, single submitter. Criteria: ACMG Guidelines, 2015. Collection method: clinical testing. Allele origin: germline.

CeGaT Center for Human Genetics Tuebingen
Classification: Uncertain significance. Last evaluated: 2024-03-01. Review status: criteria provided, single submitter. Criteria: CeGaT Center For Human Genetics Tuebingen Variant Classification Criteria Version 2. Collection method: clinical testing. Allele origin: germline. Affected: yes. Observed: 1 variant allele.

Women's Health and Genetics/Laboratory Corporation of America, LabCorp
Classification: Uncertain significance. Last evaluated: 2024-02-26. Review status: criteria provided, single submitter. Criteria: LabCorp Variant Classification Summary - May 2015. Collection method: clinical testing. Allele origin: germline.

GeneDx
Classification: Likely benign. Last evaluated: 2018-01-24. Review status: criteria provided, single submitter. Criteria: GeneDx Variant Classification (06012015). Collection method: clinical testing. Allele origin: germline. Affected: yes.
Comment: This variant is considered likely benign or benign based on one or more of the following criteria: it is a conservative change, it occurs at a poorly conserved position in the protein, it is predicted to be benign by multiple in silico algorithms, and/or has population frequency not consistent with disease.

CHEO Genetics Diagnostic Laboratory, Children's Hospital of Eastern Ontario
Classification: Uncertain significance for Cardiomyopathy. Last evaluated: 2017-11-27. Review status: criteria provided, single submitter. Criteria: ACMG Guidelines, 2015. Collection method: clinical testing. Allele origin: germline.

ARUP Laboratories, Molecular Genetics and Genomics, ARUP Laboratories
Classification: Uncertain significance. Last evaluated: 2017-08-14. Review status: criteria provided, single submitter. Criteria: ARUP Molecular Germline Variant Investigation Process. Collection method: clinical testing. Allele origin: germline.
Comment: The c.18843T>A; p.Asp6281Glu variant (rs200061856) has not been reported in the medical literature, nor has it been previously identified by our laboratory. This variant is listed in the Genome Aggregation Database (gnomAD) with a population frequency of 0.01 percent in the European Non-Finnish population (identified on 13 out of 108,992 chromosomes), and is listed in the ClinVar database as uncertain significance (Variation ID: 46701). The aspartic acid at position 6281 is highly conserved (Alamut v2.9.0) and computational analyses of the p.Asp6281Glu variant on protein structure and function indicate a neutral effect (SIFT: tolerated, MutationTaster: polymorphism, PolyPhen-2: benign). Altogether, there is not enough evidence to classify the p.Asp6281Glu variant with certainty.

Eurofins Ntd Llc (ga)
Classification: Uncertain significance. Last evaluated: 2017-02-28. Review status: criteria provided, single submitter. Criteria: EGL Classification Definitions 2015. Collection method: clinical testing. Allele origin: germline. Observed: 5 variant alleles, 5 heterozygotes.

Laboratory for Molecular Medicine, Mass General Brigham Personalized Medicine
Classification: Uncertain significance. Last evaluated: 2012-04-04. Review status: criteria provided, single submitter. Criteria: LMM Criteria. Collection method: clinical testing. Allele origin: germline. Observed: 2 variant alleles.
Comment: The Asp6281Glu variant in TTN has been identified in 2/6694 European American ch romosomes in a broad population by the NHLBI Exome Sequencing Project (s.). Computational analyses (biochemical amino acid propert ies, conservation, AlignGVGD, PolyPhen2, and SIFT) do not provide strong support for or against an impact to the protein. Additional information is needed to fu lly assess the clinical significance of this variant.